The following is an entry in ClinVar:

ClinVar aggregate classification (germline): Pathogenic (1 of 4 stars; one submission).

Submission:

Labcorp Genetics (formerly Invitae), Labcorp
Classification: Pathogenic. Last evaluated: 2021-08-20. Review status: criteria provided, single submitter. Criteria: Invitae Variant Classification Sherloc (09022015). Collection method: clinical testing. Allele origin: germline.
Comment: For these reasons, this variant has been classified as Pathogenic. This variant has not been reported in the literature in individuals with SLCO2A1-related conditions. This variant is not present in population databases (ExAC no frequency). This sequence change creates a premature translational stop signal (p.Thr422Profs*10) in the SLCO2A1 gene. It is expected to result in an absent or disrupted protein product. Loss-of-function variants in SLCO2A1 are known to be pathogenic (PMID: 22553128, 23509104).

Literature cited by the submitters: PubMed 22553128; PubMed 23509104.

NM_005630.3(SLCO2A1):c.1264_1265del (p.Thr422fs)

Gene: SLCO2A1 (solute carrier organic anion transporter family member 2A1; minus strand). Cytogenetic location: 3q22.1.
Variant type: Deletion.
Coding change: c.1264_1265del on transcript NM_005630.3 (MANE Select); coding-DNA positions 1264 to 1265, 2 bases deleted (AC; older notation c.1264_1265delAC).
Protein change: p.Thr422fs; shifts the reading frame from threonine 422.
Molecular consequence: frameshift variant.
Genome position (GRCh38, 1-based): chr3:133,947,286-133,947,287, GT deleted on the plus strand (AC on the coding strand, the reverse complement: SLCO2A1 is on the minus strand); deleting any 2 consecutive bases within chr3:133,947,286-133,947,288 gives the same sequence; the c. name uses the placement nearest the transcript's 3' end. VCF-style (leftmost placement, unchanged base first): chr3-133947285-GGT-G. GRCh37 (hg19) VCF-style: chr3-133666129-GGT-G.
Other names: short protein forms T422fs.
Identifiers: ClinVar variation 1363789 (VCV001363789.6), dbSNP rs2108041578, ClinGen allele CA2573136542.
Genomic context (GRCh38, chr3:133,947,285, plus strand): 5'-AGGGGATCTCTCTACCCCTTATTCCCATTACCTAGGGGGGTAGACTTCGGCCACAGTTGG[GGT>G]GGAGCATCCCATGAAGAACAAAGGAACACAAAGGATCATGGAGATGGTGATGATGGTGGT-3'